The following is an entry in ClinVar:

ClinVar aggregate classification (germline): Uncertain significance. Review status: criteria provided, multiple submitters, no conflicts (2 of 4 stars). 2 submissions from 2 submitters: Uncertain significance (2). Last evaluated 2024-04-25.

Conditions:
Aortic aneurysm, familial thoracic 4 (AAT4). Also called: AORTIC ANEURYSM/AORTIC DISSECTION AND PATENT DUCTUS ARTERIOSUS. Identifiers: MedGen C1851504, MONDO:0007568, OMIM 132900.
Familial thoracic aortic aneurysm and aortic dissection (TAAD). Also called: Thoracic aortic aneurysms and dissections. Identifiers: Orphanet 91387, MedGen C4707243, MONDO:0019625.

Allele frequency attached by ClinVar (database versions not stated): gnomAD exomes below 0.00001.
gnomAD v4.1: 1 of 1,614,010 alleles (0.000062%); highest among the groups gnomAD compares: Admixed American, 0.0017%; no homozygotes.

Submissions (2):

Labcorp Genetics (formerly Invitae), Labcorp
Classification: Uncertain significance for Aortic aneurysm, familial thoracic 4. Last evaluated: 2024-04-25. Review status: criteria provided, single submitter. Criteria: Invitae Variant Classification Sherloc (09022015). Collection method: clinical testing. Allele origin: germline.
Comment: This sequence change replaces lysine, which is basic and polar, with glutamic acid, which is acidic and polar, at codon 759 of the MYH11 protein (p.Lys759Glu). This variant is not present in population databases (gnomAD no frequency). This variant has not been reported in the literature in individuals affected with MYH11-related conditions. ClinVar contains an entry for this variant (Variation ID: 924894). Advanced modeling of protein sequence and biophysical properties (such as structural, functional, and spatial information, amino acid conservation, physicochemical variation, residue mobility, and thermodynamic stability) performed at Invitae indicates that this missense variant is not expected to disrupt MYH11 protein function with a negative predictive value of 95%. In summary, the available evidence is currently insufficient to determine the role of this variant in disease. Therefore, it has been classified as a Variant of Uncertain Significance.

Color Diagnostics, LLC DBA Color Health
Classification: Uncertain significance for Familial thoracic aortic aneurysm and aortic dissection. Last evaluated: 2023-12-04. Review status: criteria provided, single submitter. Criteria: ACMG Guidelines, 2015. Collection method: clinical testing. Allele origin: germline.
Comment: Variant of Uncertain Significance due to insufficient evidence: This missense variant is located in the myosin motor domain of the MYH11 protein. Computational prediction tools and conservation analyses are inconclusive regarding the impact of this variant on the protein function. Computational splicing tools suggest that this variant may not impact RNA splicing. To our knowledge, functional assays have not been performed for this variant nor has this variant been reported in individuals affected with cardiovascular disorders in the literature. This variant is rare in the general population and has been identified in 0/277264 chromosomes by the Genome Aggregation Database (gnomAD). Available evidence is insufficient to determine the pathogenicity of this variant conclusively.

NM_002474.3(MYH11):c.2254A>G (p.Lys752Glu)

Gene: MYH11 (myosin heavy chain 11; minus strand). Cytogenetic location: 16p13.11.
Variant type: single nucleotide variant.
Coding change: c.2254A>G on transcript NM_002474.3 (MANE Select); coding-DNA position 2254, A replaced by G.
Protein change: p.Lys752Glu; replaces lysine 752 with glutamic acid.
Molecular consequence: missense variant.
Genome position (GRCh38, 1-based): chr16:15,747,727, T>C on the plus strand (A>G on the coding strand, the complement: MYH11 is on the minus strand). VCF-style: chr16-15747727-T-C. GRCh37 (hg19) VCF-style: chr16-15841584-T-C.
Other names: c.2275A>G, p.Lys759Glu (NM_001040113.2, NM_001040114.2); c.2254A>G, p.Lys752Glu (NM_022844.3); short protein forms K759E, K752E.
Identifiers: ClinVar variation 924894 (VCV000924894.7), dbSNP rs2041457179, ClinGen allele CA394867587.